The following is an entry in ClinVar:

NM_032279.4(ATP13A4):c.1915+7A>G

Gene: ATP13A4 (ATPase 13A4; minus strand). Cytogenetic location: 3q29.
Variant type: single nucleotide variant.
Coding change: c.1915+7A>G on transcript NM_032279.4 (MANE Select); 7 bases into the intron after coding-DNA position 1915, A replaced by G.
Molecular consequence: intron variant.
Genome position (GRCh38, 1-based): chr3:193,456,993, T>C on the plus strand (A>G on the coding strand, the complement: ATP13A4 is on the minus strand). VCF-style: chr3-193456993-T-C. GRCh37 (hg19) VCF-style: chr3-193174782-T-C.
Identifiers: ClinVar variation 3059121 (VCV003059121.2), dbSNP rs9879227, ClinGen allele CA2758246.

ClinVar aggregate classification (germline): Benign (0 of 4 stars; one submission).

Conditions:
ATP13A4-related disorder. Also called: ATP13A4-related condition.

Allele frequency attached by ClinVar (database versions not stated): ExAC 0.14843; gnomAD 0.16861; ESP Exome Variant Server 0.17461; TOPMed 0.18315; 1000 Genomes Project 0.18810; 1000 Genomes Project 30x 0.19706.
gnomAD v4.1: 153,329 of 1,609,894 alleles (9.5%); highest among the groups gnomAD compares: African/African-American, 39%; 11,130 homozygotes.

Submission:

PreventionGenetics, part of Exact Sciences
Classification: Benign for ATP13A4-related condition. Last evaluated: 2019-11-12. Review status: no assertion criteria provided. Collection method: clinical testing. Allele origin: germline.
Comment: This variant is classified as benign based on ACMG/AMP sequence variant interpretation guidelines (Richards et al. 2015 PMID: 25741868, with internal and published modifications).